The following is an entry in ClinVar:

ClinVar aggregate classification (germline): Likely benign. Review status: criteria provided, single submitter (1 of 4 stars). 2 submissions from 2 submitters: Likely benign (1). 1 of the submissions does not count toward it. Last evaluated 2025-05-21.

Conditions:
Bethlem myopathy 1A. Also called: Bethlem Muscular Dystrophy; MYOPATHY, BENIGN CONGENITAL, WITH CONTRACTURES; Bethlem myopathy 1. Identifiers: Orphanet 610, MedGen CN029274, MONDO:0024530, OMIM 158810.
COL6A1-related disorder. Also called: COL6A1-related condition.

Allele frequency attached by ClinVar (database versions not stated): ESP Exome Variant Server 0.00015.
gnomAD v4.1: 28 of 1,612,142 alleles (0.0017%); highest among the groups gnomAD compares: East Asian, 0.0067%; 1 homozygote.

Submissions (2):

Labcorp Genetics (formerly Invitae), Labcorp
Classification: Likely benign for Bethlem myopathy 1A. Last evaluated: 2025-05-21. Review status: criteria provided, single submitter. Criteria: Invitae Variant Classification Sherloc (09022015). Collection method: clinical testing. Allele origin: germline.

PreventionGenetics, part of Exact Sciences
Classification: Likely benign for COL6A1-related condition. Last evaluated: 2021-03-22. Review status: no assertion criteria provided. Collection method: clinical testing. Allele origin: germline. Not counted in ClinVar's aggregate classification.
Comment: This variant is classified as likely benign based on ACMG/AMP sequence variant interpretation guidelines (Richards et al. 2015 PMID: 25741868, with internal and published modifications).

NM_001848.3(COL6A1):c.387C>T (p.Thr129=)

Gene: COL6A1 (collagen type VI alpha 1 chain; plus strand). Cytogenetic location: 21q22.3.
Variant type: single nucleotide variant.
Coding change: c.387C>T on transcript NM_001848.3 (MANE Select); coding-DNA position 387, C replaced by T.
Protein change: p.Thr129=; no amino-acid change (threonine 129 retained).
Molecular consequence: synonymous variant.
Genome position (GRCh38, 1-based): chr21:45,984,428, C>T. VCF-style: chr21-45984428-C-T. GRCh37 (hg19) VCF-style: chr21-47404342-C-T.
Identifiers: ClinVar variation 2183407 (VCV002183407.6), dbSNP rs377140588, ClinGen allele CA10069551.